The following is an entry in ClinVar:

NM_032806.6(POMGNT2):c.307A>G (p.Met103Val)

Gene: POMGNT2 (protein O-linked mannose N-acetylglucosaminyltransferase 2 (beta 1,4-); minus strand). Cytogenetic location: 3p22.1.
Variant type: single nucleotide variant.
Coding change: c.307A>G on transcript NM_032806.6 (MANE Select); coding-DNA position 307, A replaced by G.
Protein change: p.Met103Val; replaces methionine 103 with valine.
Molecular consequence: missense variant.
Genome position (GRCh38, 1-based): chr3:43,081,125, T>C on the plus strand (A>G on the coding strand, the complement: POMGNT2 is on the minus strand). VCF-style: chr3-43081125-T-C. GRCh37 (hg19) VCF-style: chr3-43122617-T-C.
Other names: short protein forms M103V.
Identifiers: ClinVar variation 1058597 (VCV001058597.5), dbSNP rs2125700930, ClinGen allele CA352303503.

ClinVar aggregate classification (germline): Uncertain significance (1 of 4 stars; one submission).

Conditions:
Muscular dystrophy-dystroglycanopathy (congenital with brain and eye anomalies), type a, 8 (MDDGA8). Also called: WALKER-WARBURG SYNDROME OR MUSCLE-EYE-BRAIN DISEASE, GTDC2-RELATED. Identifiers: Orphanet 899, MedGen C3553813, MONDO:0013904, OMIM 614830.

Submission:

Labcorp Genetics (formerly Invitae), Labcorp
Classification: Uncertain significance for Muscular dystrophy-dystroglycanopathy (congenital with brain and eye anomalies), type a, 8. Last evaluated: 2023-07-10. Review status: criteria provided, single submitter. Criteria: Invitae Variant Classification Sherloc (09022015). Collection method: clinical testing. Allele origin: germline.
Comment: This sequence change replaces methionine, which is neutral and non-polar, with valine, which is neutral and non-polar, at codon 103 of the POMGNT2 protein (p.Met103Val). In summary, the available evidence is currently insufficient to determine the role of this variant in disease. Therefore, it has been classified as a Variant of Uncertain Significance. Advanced modeling of protein sequence and biophysical properties (such as structural, functional, and spatial information, amino acid conservation, physicochemical variation, residue mobility, and thermodynamic stability) performed at Invitae indicates that this missense variant is not expected to disrupt POMGNT2 protein function. ClinVar contains an entry for this variant (Variation ID: 1058597). This variant has not been reported in the literature in individuals affected with POMGNT2-related conditions. This variant is not present in population databases (gnomAD no frequency).